The following is an entry in ClinVar:

ClinVar aggregate classification (germline): Uncertain significance (1 of 4 stars; one submission).

Conditions:
Hereditary cancer-predisposing syndrome. Also called: Neoplastic Syndromes, Hereditary; Tumor predisposition; Hereditary neoplastic syndrome; Hereditary Cancer Syndrome. Identifiers: Orphanet 140162, MedGen C0027672, MeSH D009386, MONDO:0015356.

Submission:

Ambry Genetics
Classification: Uncertain significance for Hereditary cancer-predisposing syndrome. Last evaluated: 2023-02-03. Review status: criteria provided, single submitter. Criteria: Ambry Variant Classification Scheme 2023. Collection method: clinical testing. Allele origin: germline.
Comment: The p.L1827Q variant (also known as c.5480T>A), located in coding exon 24 of the DICER1 gene, results from a T to A substitution at nucleotide position 5480. The leucine at codon 1827 is replaced by glutamine, an amino acid with dissimilar properties. This amino acid position is conserved. In addition, this alteration is predicted to be deleterious by in silico analysis. Since supporting evidence is limited at this time, the clinical significance of this alteration remains unclear.

NM_177438.3(DICER1):c.5480T>A (p.Leu1827Gln)

Gene: DICER1 (dicer 1, ribonuclease III; minus strand). Cytogenetic location: 14q32.13.
Variant type: single nucleotide variant.
Coding change: c.5480T>A on transcript NM_177438.3 (MANE Select); coding-DNA position 5480, T replaced by A.
Protein change: p.Leu1827Gln; replaces leucine 1827 with glutamine.
Molecular consequence: missense variant. On other transcripts: non-coding transcript variant (6), intron variant (1).
Genome position (GRCh38, 1-based): chr14:95,091,250, A>T on the plus strand (T>A on the coding strand, the complement: DICER1 is on the minus strand). VCF-style: chr14-95091250-A-T. GRCh37 (hg19) VCF-style: chr14-95557587-A-T.
Other names: c.5480T>A, p.Leu1827Gln (NM_001271282.3, NM_001291628.2, NM_001395677.1 and 8 more transcripts); c.5198T>A, p.Leu1733Gln (NM_001395686.1); c.5075T>A, p.Leu1692Gln (NM_001395687.1, NM_001395688.1, NM_001395689.1 and 1 more transcripts); c.4913T>A, p.Leu1638Gln (NM_001395691.1); c.3797T>A, p.Leu1266Gln (NM_001395697.1); c.5365-141T>A (NM_001195573.1); short protein forms L1692Q, L1266Q, L1638Q, L1733Q, L1827Q.
Identifiers: ClinVar variation 2451722 (VCV002451722.2), dbSNP rs1595314543, ClinGen allele CA390864561.